The following is an entry in ClinVar:

ClinVar aggregate classification (germline): Uncertain significance (1 of 4 stars; one submission).

Submission:

GeneDx
Classification: Uncertain significance. Last evaluated: 2022-01-30. Review status: criteria provided, single submitter. Criteria: GeneDx Variant Classification Process June 2021. Collection method: clinical testing. Allele origin: germline. Affected: yes.
Comment: Not observed at significant frequency in large population cohorts (gnomAD); Nonsense variant predicted to result in protein truncation or nonsense mediated decay in a gene for which loss-of-function is not a known mechanism of disease; Has not been previously published as pathogenic or benign to our knowledge

NM_031418.4(ANO3):c.1007dup (p.Tyr336Ter)

Gene: ANO3 (anoctamin 3; plus strand). Cytogenetic location: 11p14.2.
Variant type: Duplication.
Coding change: c.1007dup on transcript NM_031418.4 (MANE Select); coding-DNA position 1007, one base duplicated (A; older notation c.1007dupA).
Protein change: p.Tyr336Ter; replaces tyrosine 336 with a stop codon.
Molecular consequence: nonsense.
Genome position (GRCh38, 1-based): chr11:26,537,436, A duplicated. VCF-style (leftmost placement, unchanged base first): chr11-26537435-T-TA. GRCh37 (hg19) VCF-style: chr11-26558982-T-TA.
Other names: c.1190dup, p.Tyr397Ter (NM_001313726.2); c.569dup, p.Tyr190Ter (NM_001313727.2); short protein forms Y190*, Y336*, Y397*.
Identifiers: ClinVar variation 1699525 (VCV001699525.2), dbSNP rs2134196843, ClinGen allele CA2580082872.